The following is an entry in ClinVar:

NM_001029883.3(PCARE):c.1910G>A (p.Ser637Asn)

Gene: PCARE (photoreceptor cilium actin regulator; minus strand). Cytogenetic location: 2p23.2.
Variant type: single nucleotide variant.
Coding change: c.1910G>A on transcript NM_001029883.3 (MANE Select); coding-DNA position 1910, G replaced by A.
Protein change: p.Ser637Asn; replaces serine 637 with asparagine.
Molecular consequence: missense variant.
Genome position (GRCh38, 1-based): chr2:29,072,352, C>T on the plus strand (G>A on the coding strand, the complement: PCARE is on the minus strand). VCF-style: chr2-29072352-C-T. GRCh37 (hg19) VCF-style: chr2-29295218-C-T.
Other names: short protein forms S637N.
Identifiers: ClinVar variation 2016299 (VCV002016299.4), dbSNP rs1667506116, ClinGen allele CA346478652.

ClinVar aggregate classification (germline): Uncertain significance (1 of 4 stars; one submission).

Allele frequency attached by ClinVar (database versions not stated): TOPMed below 0.00001.

Submission:

Labcorp Genetics (formerly Invitae), Labcorp
Classification: Uncertain significance. Last evaluated: 2022-07-12. Review status: criteria provided, single submitter. Criteria: Invitae Variant Classification Sherloc (09022015). Collection method: clinical testing. Allele origin: germline.
Comment: Algorithms developed to predict the effect of missense changes on protein structure and function output the following: SIFT: "Tolerated"; PolyPhen-2: "Benign"; Align-GVGD: "Class C0". The asparagine amino acid residue is found in multiple mammalian species, which suggests that this missense change does not adversely affect protein function. This variant has not been reported in the literature in individuals affected with PCARE-related conditions. This variant is not present in population databases (gnomAD no frequency). This sequence change replaces serine, which is neutral and polar, with asparagine, which is neutral and polar, at codon 637 of the PCARE protein (p.Ser637Asn). In summary, the available evidence is currently insufficient to determine the role of this variant in disease. Therefore, it has been classified as a Variant of Uncertain Significance.